The following is an entry in ClinVar:

NM_000059.4(BRCA2):c.2978G>C (p.Trp993Ser)

Gene: BRCA2 (BRCA2 DNA repair associated; plus strand). Cytogenetic location: 13q13.1.
Variant type: single nucleotide variant.
Coding change: c.2978G>C on transcript NM_000059.4 (MANE Select); coding-DNA position 2978, G replaced by C.
Protein change: p.Trp993Ser; replaces tryptophan 993 with serine.
Molecular consequence: missense variant. On other transcripts: non-coding transcript variant (1), intron variant (2).
Genome position (GRCh38, 1-based): chr13:32,337,333, G>C. VCF-style: chr13-32337333-G-C. GRCh37 (hg19) VCF-style: chr13-32911470-G-C.
Other names: c.2978G>C, p.Trp993Ser (NM_001406719.1, NM_001406720.1); c.1909+3946G>C (NM_001406721.1); c.424+6303G>C (NM_001406722.1); short protein forms W993S.
Identifiers: ClinVar variation 2859227 (VCV002859227.3), dbSNP rs80358543, ClinGen allele CA387774561.

ClinVar aggregate classification (germline): Uncertain significance (1 of 4 stars; one submission).

Conditions:
Hereditary breast ovarian cancer syndrome. Also called: Hereditary breast and ovarian cancer syndrome (HBOC); Hereditary breast and ovarian cancer syndrome; Hereditary breast and/or ovarian cancer syndrome; Hereditary breast and ovarian cancer; Breast and ovarian cancer; BRCA1- and BRCA2-Associated Hereditary Breast and Ovarian Cancer. Identifiers: Orphanet 145, MedGen C0677776, MeSH D061325, MONDO:0003582. Disease mechanism: loss of function.

Submission:

Labcorp Genetics (formerly Invitae), Labcorp
Classification: Uncertain significance for Hereditary breast ovarian cancer syndrome. Last evaluated: 2023-05-01. Review status: criteria provided, single submitter. Criteria: Invitae Variant Classification Sherloc (09022015). Collection method: clinical testing. Allele origin: germline.
Comment: This variant is not present in population databases (gnomAD no frequency). This sequence change replaces tryptophan, which is neutral and slightly polar, with serine, which is neutral and polar, at codon 993 of the BRCA2 protein (p.Trp993Ser). This variant has not been reported in the literature in individuals affected with BRCA2-related conditions. Advanced modeling of protein sequence and biophysical properties (such as structural, functional, and spatial information, amino acid conservation, physicochemical variation, residue mobility, and thermodynamic stability) performed at Invitae indicates that this missense variant is not expected to disrupt BRCA2 protein function. In summary, the available evidence is currently insufficient to determine the role of this variant in disease. Therefore, it has been classified as a Variant of Uncertain Significance.